The following is an entry in ClinVar:

ClinVar aggregate classification (germline): Likely benign (1 of 4 stars; one submission).

Allele frequency attached by ClinVar (database versions not stated): gnomAD exomes 0.00033; gnomAD 0.00333 and 0.00355; 1000 Genomes Project 0.00339; TOPMed 0.00362; 1000 Genomes Project 30x 0.00375.
gnomAD v4.1: 920 of 1,363,776 alleles (0.067%); highest among the groups gnomAD compares: African/African-American, 1.2%; 4 homozygotes.

Submission:

GeneDx
Classification: Likely benign. Last evaluated: 2018-06-16. Review status: criteria provided, single submitter. Criteria: GeneDx Variant Classification (06012015). Collection method: clinical testing. Allele origin: germline. Affected: yes.
Comment: This variant is considered likely benign or benign based on one or more of the following criteria: it is a conservative change, it occurs at a poorly conserved position in the protein, it is predicted to be benign by multiple in silico algorithms, and/or has population frequency not consistent with disease.

NM_015631.6(TCTN3):c.1298+90T>C

Gene: TCTN3 (tectonic family member 3; minus strand). Cytogenetic location: 10q24.1.
Variant type: single nucleotide variant.
Coding change: c.1298+90T>C on transcript NM_015631.6 (MANE Select); 90 bases into the intron after coding-DNA position 1298, T replaced by C.
Molecular consequence: intron variant.
Genome position (GRCh38, 1-based): chr10:95,683,011, A>G on the plus strand (T>C on the coding strand, the complement: TCTN3 is on the minus strand). VCF-style: chr10-95683011-A-G. GRCh37 (hg19) VCF-style: chr10-97442768-A-G.
Other names: c.854+90T>C (NM_001143973.2).
Identifiers: ClinVar variation 679648 (VCV000679648.1), dbSNP rs7914690, ClinGen allele CA211802743.